The following is an entry in ClinVar:

NM_007118.4(TRIO):c.2386A>G (p.Ile796Val)

Gene: TRIO (trio Rho guanine nucleotide exchange factor; plus strand). Cytogenetic location: 5p15.2.
Variant type: single nucleotide variant.
Coding change: c.2386A>G on transcript NM_007118.4 (MANE Select); coding-DNA position 2386, A replaced by G.
Protein change: p.Ile796Val; replaces isoleucine 796 with valine.
Molecular consequence: missense variant. On other transcripts: non-coding transcript variant (1).
Genome position (GRCh38, 1-based): chr5:14,359,526, A>G. VCF-style: chr5-14359526-A-G. GRCh37 (hg19) VCF-style: chr5-14359635-A-G.
Other names: short protein forms I796V.
Identifiers: ClinVar variation 2431686 (VCV002431686.2), dbSNP rs761413731, ClinGen allele CA3205876.
Genomic context (GRCh38, chr5:14,359,526, plus strand): 5'-CAGGAGCGCAAGATCAAGCTGGAGCTCTTCCTGCAGCTGCGCATCTTCGAGAGGGACGCC[A>G]TCGACGTGAGTGTCCCGCGGCTGGCGCCTGCCTGCCTGTGGGAGCCCTTGGCTTCCTCCA-3'
Protein context (NP_009049.2, residues 786-806): LQLRIFERDA[Ile796Val]DIISDLESWN

ClinVar aggregate classification (germline): Uncertain significance (1 of 4 stars; one submission).

Conditions:
Intellectual developmental disorder, autosomal dominant 44, with microcephaly. Also called: Micrognathia-recurrent infections-behavioral abnormalities-mild intellectual disability syndrome; TRIO-Related Intellectual Disability. Identifiers: Orphanet 476126, MedGen C4310740, MONDO:0014892, OMIM 617061.

Allele frequency attached by ClinVar (database versions not stated): gnomAD exomes below 0.00001; ExAC 0.00001; TOPMed 0.00001.
gnomAD v4.1: 5 of 1,613,562 alleles (0.00031%); highest among the groups gnomAD compares: Admixed American, 0.0017%; no homozygotes.

Submission:

Laboratorio de Genetica e Diagnostico Molecular, Hospital Israelita Albert Einstein
Classification: Uncertain significance for Intellectual developmental disorder, autosomal dominant 44, with microcephaly. Last evaluated: 2022-11-18. Review status: criteria provided, single submitter. Criteria: ACMG Guidelines, 2015. Collection method: clinical testing. Allele origin: germline. Affected: yes.
Comment: ACMG classification criteria: PM2 supporting, PP2 supporting, BP4 supporting